The following is an entry in ClinVar:

ClinVar aggregate classification (germline): Conflicting classifications of pathogenicity. Review status: criteria provided, conflicting classifications (1 of 4 stars). 3 submissions from 3 submitters: Likely pathogenic (1); Uncertain significance (2). Last evaluated 2025-09-08.

Conditions:
Retinal disorder. Also called: Retinopathies; Retinal Diseases; Retinopathy; Retinal disorders. Identifiers: MedGen C0035309, MONDO:0005283, HP:0000488.

Allele frequency attached by ClinVar (database versions not stated): ExAC 0.00001; gnomAD 0.00004 and 0.00003; gnomAD exomes 0.00004 and 0.00001; ESP Exome Variant Server 0.00008; TOPMed 0.00002.
gnomAD v4.1: 66 of 1,613,874 alleles (0.0041%); highest among the groups gnomAD compares: Non-Finnish European, 0.0051%; no homozygotes.

Submissions (3):

North West Genomic Laboratory Hub, Manchester University NHS Foundation Trust
Classification: Likely pathogenic for Retinal disorders. Last evaluated: 2025-09-08. Review status: criteria provided, single submitter. Criteria: ACGS Best Practice Guidelines for Variant Classification in Rare Disease 2024. Collection method: clinical testing. Allele origin: germline. Affected: yes.
Comment: PM2_Mod PVS1_Mod PM3_Mod

Labcorp Genetics (formerly Invitae), Labcorp
Classification: Uncertain significance. Last evaluated: 2023-05-08. Review status: criteria provided, single submitter. Criteria: Invitae Variant Classification Sherloc (09022015). Collection method: clinical testing. Allele origin: germline.
Comment: In summary, the available evidence is currently insufficient to determine the role of this variant in disease. Therefore, it has been classified as a Variant of Uncertain Significance. Experimental studies and prediction algorithms are not available or were not evaluated, and the functional significance of this variant is currently unknown. ClinVar contains an entry for this variant (Variation ID: 1524026). This variant has not been reported in the literature in individuals affected with ARSG-related conditions. This variant is present in population databases (rs142933223, gnomAD 0.004%). This sequence change creates a premature translational stop signal (p.Cys520*) in the ARSG gene. While this is not anticipated to result in nonsense mediated decay, it is expected to disrupt the last 6 amino acid(s) of the ARSG protein.

Blueprint Genetics
Classification: Uncertain significance. Last evaluated: 2023-04-05. Review status: criteria provided, single submitter. Criteria: ACMG Guidelines, 2015. Collection method: clinical testing. Allele origin: germline.

NM_001267727.2(ARSG):c.1560C>A (p.Cys520Ter)

Genes: ARSG (arylsulfatase G; plus strand), PRKAR1A (protein kinase cAMP-dependent type I regulatory subunit alpha; plus strand). Cytogenetic location: 17q24.2.
Variant type: single nucleotide variant.
Coding change: c.1560C>A on transcript NM_001267727.2 (MANE Select); coding-DNA position 1560, C replaced by A.
Protein change: p.Cys520Ter; replaces cysteine 520 with a stop codon.
Molecular consequence: nonsense. On other transcripts: intron variant (3).
Genome position (GRCh38, 1-based): chr17:68,420,445, C>A. VCF-style: chr17-68420445-C-A. GRCh37 (hg19) VCF-style: chr17-66416586-C-A.
Other names: c.1560C>A, p.Cys520Ter (NM_001352899.2, NM_001352900.2, NM_001352901.2 and 2 more transcripts); c.1557C>A, p.Cys519Ter (NM_001352903.2, NM_001352904.2, NM_001352905.2 and 2 more transcripts); c.1303+18995C>A (NM_001352910.2); c.1255+18995C>A (NM_001352909.2); c.-7+6650C>A (NM_001278433.2); short protein forms C520*, C519*.
Identifiers: ClinVar variation 1524026 (VCV001524026.7), dbSNP rs142933223, ClinGen allele CA8728606.
Genomic context (GRCh38, chr17:68,420,445, plus strand): 5'-CGCAGATTACACTCAGGACCCTTCAGTAACTCCCTGCTGTAATCCCTACCAAATTGCCTG[C>A]CGCTGTCAAGCCGCATAACAGACCAATTTTTATTCCACGAGGAGGAGTACCTGGAAATTA-3'